The following is an entry in ClinVar:

ClinVar aggregate classification (germline): Uncertain significance (1 of 4 stars; one submission).

Allele frequency attached by ClinVar (database versions not stated): TOPMed below 0.00001.

Submission:

Labcorp Genetics (formerly Invitae), Labcorp
Classification: Uncertain significance. Last evaluated: 2022-09-01. Review status: criteria provided, single submitter. Criteria: Invitae Variant Classification Sherloc (09022015). Collection method: clinical testing. Allele origin: germline.
Comment: In summary, the available evidence is currently insufficient to determine the role of this variant in disease. Therefore, it has been classified as a Variant of Uncertain Significance. Variants that disrupt the consensus splice site are a relatively common cause of aberrant splicing (PMID: 17576681, 9536098). Algorithms developed to predict the effect of sequence changes on RNA splicing suggest that this variant is not likely to affect RNA splicing. ClinVar contains an entry for this variant (Variation ID: 1419592). This variant has not been reported in the literature in individuals affected with MOCS2A-related conditions. This variant is not present in population databases (gnomAD no frequency). This sequence change falls in intron 1 of the MOCS2A gene. It does not directly change the encoded amino acid sequence of the MOCS2A protein. It affects a nucleotide within the consensus splice site.

Literature cited by the submitters: PubMed 17576681; PubMed 9536098.

NM_004531.5(MOCS2):c.-628A>G

Genes: MOCS2 (molybdenum cofactor synthesis 2; minus strand), LOC129993881 (ATAC-STARR-seq lymphoblastoid silent region 16005; plus strand). Cytogenetic location: 5q11.2.
Variant type: single nucleotide variant.
Coding change: c.-628A>G on transcript NM_004531.5 (MANE Select); 628 bases upstream of the start codon, A replaced by G.
Molecular consequence: 5 prime UTR variant. On other transcripts: intron variant (1).
Genome position (GRCh38, 1-based): chr5:53,109,709, T>C on the plus strand (A>G on the coding strand, the complement: MOCS2 is on the minus strand). VCF-style: chr5-53109709-T-C. GRCh37 (hg19) VCF-style: chr5-52405539-T-C.
Other names: c.18+3A>G (NM_176806.4).
Identifiers: ClinVar variation 1419592 (VCV001419592.6), dbSNP rs1579938676, ClinGen allele CA1546400400.